The following is an entry in ClinVar:

ClinVar aggregate classification (germline): Likely pathogenic (1 of 4 stars; one submission).

Conditions:
Autosomal recessive limb-girdle muscular dystrophy type 2L (LGMDR12). Also called: Limb-girdle muscular dystrophy, type 2L; MUSCULAR DYSTROPHY, LIMB-GIRDLE, AUTOSOMAL RECESSIVE 12; Limb-Girdle Muscular Dystrophy R12 Anoctamin-5-Related (LGMD-R12). Identifiers: Orphanet 206549, MedGen C1969785, MONDO:0012652, OMIM 611307.

Submission:

Medical Genetics Laboratory, Etlik City Hospital
Classification: Likely pathogenic for Autosomal recessive limb-girdle muscular dystrophy type 2L. Last evaluated: 2025-12-01. Review status: criteria provided, single submitter. Criteria: ACMG Guidelines, 2015. Collection method: clinical testing. Allele origin: germline. Inheritance: Autosomal recessive inheritance. Affected: yes. Observed: 2 homozygotes.
Comment: This missense variant was identified in two different probands from two unrelated families, both presenting with a clinical phenotype consistent with LGMD2L. The variant has not been previously reported in the literature (PubMed, LitVar2), or in the population data (GnomAD).The clinical profiles of the patients were compatible with ANO5-related muscle disease, and segregation (phasing) analyses performed in both families supported the inferred mode of inheritance. In addition, the variant was observed together with two heterozygous incidental carriers , suggesting a possible founder effect supported by haplotype analysis(PM2, PP3, PM3, PP4).

NM_213599.3(ANO5):c.876T>G (p.Ile292Met)

Gene: ANO5 (anoctamin 5; plus strand). Cytogenetic location: 11p14.3.
Variant type: single nucleotide variant.
Coding change: c.876T>G on transcript NM_213599.3 (MANE Select); coding-DNA position 876, T replaced by G.
Protein change: p.Ile292Met; replaces isoleucine 292 with methionine.
Molecular consequence: missense variant.
Genome position (GRCh38, 1-based): chr11:22,239,682, T>G. VCF-style: chr11-22239682-T-G. GRCh37 (hg19) VCF-style: chr11-22261228-T-G.
Other names: c.873T>G, p.Ile291Met (NM_001142649.2); c.834T>G, p.Ile278Met (NM_001410963.1, NM_001441300.1); c.831T>G, p.Ile277Met (NM_001410964.1, NM_001441301.1); c.798T>G, p.Ile266Met (NM_001441294.1); c.795T>G, p.Ile265Met (NM_001441295.1); c.783T>G, p.Ile261Met (NM_001441296.1, NM_001441302.1); c.756T>G, p.Ile252Met (NM_001441297.1); c.720T>G, p.Ile240Met (NM_001441298.1); and 1 more; short protein forms I239M, I240M, I252M, I261M, I265M, I266M, I277M, I278M.
Identifiers: ClinVar variation 4538462 (VCV004538462.1).